The following is an entry in ClinVar:

NM_181882.3(PRX):c.17G>T (p.Arg6Leu)

Gene: PRX (periaxin; minus strand). Cytogenetic location: 19q13.2.
Variant type: single nucleotide variant.
Coding change: c.17G>T on transcript NM_181882.3 (MANE Select); coding-DNA position 17, G replaced by T.
Protein change: p.Arg6Leu; replaces arginine 6 with leucine.
Molecular consequence: missense variant.
Genome position (GRCh38, 1-based): chr19:40,407,916, C>A on the plus strand (G>T on the coding strand, the complement: PRX is on the minus strand). VCF-style: chr19-40407916-C-A. GRCh37 (hg19) VCF-style: chr19-40913823-C-A.
Other names: c.17G>T, p.Arg6Leu (NM_020956.2); short protein forms R6L.
Identifiers: ClinVar variation 916913 (VCV000916913.8), dbSNP rs774078598, ClinGen allele CA405902049.

ClinVar aggregate classification (germline): Uncertain significance. Review status: criteria provided, multiple submitters, no conflicts (2 of 4 stars). 2 submissions from 2 submitters: Uncertain significance (2). Last evaluated 2020-12-23.

Conditions:
Charcot-Marie-Tooth disease. Also called: Charcot-Marie-Tooth Hereditary Neuropathy; Charcot-Marie-Tooth Neuropathy. Identifiers: Orphanet 166, MedGen C0007959, MONDO:0015626.
Charcot-Marie-Tooth disease type 4. Also called: Charcot-Marie-Tooth, Type 4; Charcot-Marie-Tooth disease, type IV. Identifiers: Orphanet 64749, MedGen C4082197, MONDO:0018995.

Submissions (2):

Labcorp Genetics (formerly Invitae), Labcorp
Classification: Uncertain significance for Charcot-Marie-Tooth disease type 4. Last evaluated: 2020-12-23. Review status: criteria provided, single submitter. Criteria: Invitae Variant Classification Sherloc (09022015). Collection method: clinical testing. Allele origin: germline.
Comment: In summary, the available evidence is currently insufficient to determine the role of this variant in disease. Therefore, it has been classified as a Variant of Uncertain Significance. Algorithms developed to predict the effect of missense changes on protein structure and function are either unavailable or do not agree on the potential impact of this missense change (SIFT: "Deleterious"; PolyPhen-2: "Not Available"; Align-GVGD: "Class C0"). This variant has not been reported in the literature in individuals with PRX-related conditions. ClinVar contains an entry for this variant (Variation ID: 916913). This variant is not present in population databases (ExAC no frequency). This sequence change replaces arginine with leucine at codon 6 of the PRX protein (p.Arg6Leu). The arginine residue is highly conserved and there is a moderate physicochemical difference between arginine and leucine.

Molecular Genetics Laboratory, London Health Sciences Centre
Classification: Uncertain significance for Charcot-Marie-Tooth disease. Review status: criteria provided, single submitter. Criteria: ACMG Guidelines, 2015. Collection method: clinical testing. Allele origin: germline. Affected: yes.